The following is an entry in ClinVar:

ClinVar aggregate classification (germline): Uncertain significance (1 of 4 stars; one submission).

Conditions:
Inborn genetic diseases. Identifiers: MedGen C0950123, MeSH D030342.

gnomAD v4.1: 3 of 1,614,158 alleles (0.00019%); highest among the groups gnomAD compares: South Asian, 0.0033%; no homozygotes.

Submission:

Ambry Genetics
Classification: Uncertain significance for Inborn genetic diseases. Last evaluated: 2026-02-17. Review status: criteria provided, single submitter. Criteria: Ambry Variant Classification Scheme 2023. Collection method: clinical testing. Allele origin: germline.
Comment: The p.I96M variant (also known as c.288C>G), located in coding exon 3 of the FANCG gene, results from a C to G substitution at nucleotide position 288. The isoleucine at codon 96 is replaced by methionine, an amino acid with highly similar properties. This amino acid position is conserved. In addition, the in silico prediction for this alteration is inconclusive. Based on the available evidence, the clinical significance of this variant remains unclear.

NM_004629.2(FANCG):c.288C>G (p.Ile96Met)

Gene: FANCG (FA complementation group G; minus strand). Cytogenetic location: 9p13.3.
Variant type: single nucleotide variant.
Coding change: c.288C>G on transcript NM_004629.2 (MANE Select); coding-DNA position 288, C replaced by G.
Protein change: p.Ile96Met; replaces isoleucine 96 with methionine.
Molecular consequence: missense variant.
Genome position (GRCh38, 1-based): chr9:35,078,624, G>C on the plus strand (C>G on the coding strand, the complement: FANCG is on the minus strand). VCF-style: chr9-35078624-G-C. GRCh37 (hg19) VCF-style: chr9-35078621-G-C.
Other names: short protein forms I96M.
Identifiers: ClinVar variation 4844154 (VCV004844154.1).